The following is an entry in ClinVar:

NM_001904.4(CTNNB1):c.925del (p.Gln309fs)

Gene: CTNNB1 (catenin beta 1; plus strand). Cytogenetic location: 3p22.1.
Variant type: Deletion.
Coding change: c.925del on transcript NM_001904.4 (MANE Select); coding-DNA position 925, one base deleted (C; older notation c.925delC).
Protein change: p.Gln309fs; shifts the reading frame from glutamine 309.
Molecular consequence: frameshift variant.
Genome position (GRCh38, 1-based): chr3:41,225,850, C deleted; the last of 2 consecutive C bases (chr3:41,225,849-41,225,850); deleting either gives the same sequence. VCF-style (leftmost placement, unchanged base first): chr3-41225848-AC-A. GRCh37 (hg19) VCF-style: chr3-41267339-AC-A.
Other names: c.925del, p.Gln309fs (NM_001098209.2, NM_001098210.2); c.904del, p.Gln302fs (NM_001330729.2); short protein forms Q302fs, Q309fs.
Identifiers: ClinVar variation 817765 (VCV000817765.1), dbSNP rs1575317915, ClinGen allele CA915942439.

ClinVar aggregate classification (germline): Pathogenic (1 of 4 stars; one submission).

Submission:

GeneDx
Classification: Pathogenic. Last evaluated: 2019-04-29. Review status: criteria provided, single submitter. Criteria: GeneDx Variant Classification (06012015). Collection method: clinical testing. Allele origin: germline. Affected: yes.
Comment: The c.925delC pathogenic variant in the CTNNB1 gene causes a frameshift starting with codon Glutamine 309, changes this amino acid to a Lysine residue and creates a premature Stop codon at position 16 of the new reading frame, denoted p.Gln309LysfsX16. This pathogenic variant is predicted to cause loss of normal protein function either through protein truncation or nonsense-mediated mRNA decay. The c.925delC variant is not observed in large population cohorts (Lek et al., 2016).